The following is an entry in ClinVar:

NM_022168.4(IFIH1):c.865A>G (p.Ser289Gly)

Gene: IFIH1 (interferon induced with helicase C domain 1; minus strand). Cytogenetic location: 2q24.2.
Variant type: single nucleotide variant.
Coding change: c.865A>G on transcript NM_022168.4 (MANE Select); coding-DNA position 865, A replaced by G.
Protein change: p.Ser289Gly; replaces serine 289 with glycine.
Molecular consequence: missense variant.
Genome position (GRCh38, 1-based): chr2:162,293,573, T>C on the plus strand (A>G on the coding strand, the complement: IFIH1 is on the minus strand). VCF-style: chr2-162293573-T-C. GRCh37 (hg19) VCF-style: chr2-163150083-T-C.
Other names: short protein forms S289G.
Identifiers: ClinVar variation 2102789 (VCV002102789.4), dbSNP rs1683036083, ClinGen allele CA349005849.

ClinVar aggregate classification (germline): Uncertain significance (1 of 4 stars; one submission).

Conditions:
Aicardi-Goutieres syndrome 7 (AGS7). Identifiers: Orphanet 51, MedGen C3888244, MONDO:0014367, OMIM 615846.
Singleton-Merten syndrome 1 (SGMRT1). Also called: Widened medullary cavities of bone, aortic calcification, abnormal dentition, and muscular weakness; Syndrome of widened medullary cavities of the metacarpals and phalanges, aortic calcification and abnormal dentition. Identifiers: Orphanet 85191, MedGen C4225427, MONDO:0024535, OMIM 182250.

Allele frequency attached by ClinVar (database versions not stated): TOPMed below 0.00001.

Submission:

Labcorp Genetics (formerly Invitae), Labcorp
Classification: Uncertain significance for Aicardi-Goutieres syndrome 7; Singleton-Merten syndrome 1. Last evaluated: 2024-11-11. Review status: criteria provided, single submitter. Criteria: Invitae Variant Classification Sherloc (09022015). Collection method: clinical testing. Allele origin: germline.
Comment: This sequence change replaces serine, which is neutral and polar, with glycine, which is neutral and non-polar, at codon 289 of the IFIH1 protein (p.Ser289Gly). This variant is not present in population databases (gnomAD no frequency). This variant has not been reported in the literature in individuals affected with IFIH1-related conditions. ClinVar contains an entry for this variant (Variation ID: 2102789). Invitae Evidence Modeling of protein sequence and biophysical properties (such as structural, functional, and spatial information, amino acid conservation, physicochemical variation, residue mobility, and thermodynamic stability) has been performed for this missense variant. However, the output from this modeling did not meet the statistical confidence thresholds required to predict the impact of this variant on IFIH1 protein function. In summary, the available evidence is currently insufficient to determine the role of this variant in disease. Therefore, it has been classified as a Variant of Uncertain Significance.